The following is an entry in ClinVar:

NM_006904.7(PRKDC):c.3527G>C (p.Cys1176Ser)

Gene: PRKDC (protein kinase, DNA-activated, catalytic subunit; minus strand). Cytogenetic location: 8q11.21.
Variant type: single nucleotide variant.
Coding change: c.3527G>C on transcript NM_006904.7 (MANE Select); coding-DNA position 3527, G replaced by C.
Protein change: p.Cys1176Ser; replaces cysteine 1176 with serine.
Molecular consequence: missense variant.
Genome position (GRCh38, 1-based): chr8:47,897,232, C>G on the plus strand (G>C on the coding strand, the complement: PRKDC is on the minus strand). VCF-style: chr8-47897232-C-G. GRCh37 (hg19) VCF-style: chr8-48809792-C-G.
Other names: c.3527G>C, p.Cys1176Ser (NM_001081640.2); short protein forms C1176S.
Identifiers: ClinVar variation 951586 (VCV000951586.7), dbSNP rs780337745, ClinGen allele CA4741149.

ClinVar aggregate classification (germline): Uncertain significance. Review status: criteria provided, multiple submitters, no conflicts (2 of 4 stars). 2 submissions from 2 submitters: Uncertain significance (2). Last evaluated 2021-11-21.

Conditions:
Severe combined immunodeficiency due to DNA-PKcs deficiency. Also called: IMMUNODEFICIENCY 26 WITH NEUROLOGIC ABNORMALITIES; Immunodeficiency 26 with or without neurologic abnormalities. Identifiers: Orphanet 317425, MedGen C4014833, MONDO:0014423, OMIM 615966.

Allele frequency attached by ClinVar (database versions not stated): gnomAD exomes below 0.00001; ExAC 0.00001; gnomAD 0.00002; TOPMed 0.00002.

Submissions (2):

Ambry Genetics
Classification: Uncertain significance. Last evaluated: 2021-11-21. Review status: criteria provided, single submitter. Criteria: Ambry Variant Classification Scheme 2023. Collection method: clinical testing. Allele origin: germline.
Comment: The p.C1176S variant (also known as c.3527G>C), located in coding exon 30 of the PRKDC gene, results from a G to C substitution at nucleotide position 3527. The cysteine at codon 1176 is replaced by serine, an amino acid with dissimilar properties. This amino acid position is conserved. In addition, this alteration is predicted to be deleterious by in silico analysis. Since supporting evidence is limited at this time, the clinical significance of this alteration remains unclear.

Labcorp Genetics (formerly Invitae), Labcorp
Classification: Uncertain significance for Severe combined immunodeficiency due to DNA-PKcs deficiency. Last evaluated: 2021-09-02. Review status: criteria provided, single submitter. Criteria: Invitae Variant Classification Sherloc (09022015). Collection method: clinical testing. Allele origin: germline.